The following is an entry in ClinVar:

NC_000013.11:g.48303682G>A

Genes: RB1 (RB transcriptional corepressor 1; plus strand), RB1-DT (RB1 divergent transcript; minus strand). Cytogenetic location: 13q14.2.
Variant type: single nucleotide variant.
Molecular consequence: non-coding transcript variant (on NR_046414.2).
Genome position: GRCh38 VCF-style: chr13-48303682-G-A. GRCh37 (hg19) VCF-style: chr13-48877818-G-A.
Identifiers: ClinVar variation 3729244 (VCV003729244.2).

ClinVar aggregate classification (germline): Uncertain significance (1 of 4 stars; one submission).

Conditions:
Retinoblastoma (RB1). Also called: RETINOBLASTOMA, SOMATIC. Identifiers: Orphanet 790, MedGen C0035335, MeSH D012175, MONDO:0008380, OMIM 180200, HP:0009919. Disease mechanism: loss of function. Inheritance: Both sporadic and heritable forms are tested..

Submission:

Labcorp Genetics (formerly Invitae), Labcorp
Classification: Uncertain significance for Retinoblastoma. Last evaluated: 2025-09-10. Review status: criteria provided, single submitter. Criteria: Invitae Variant Classification Sherloc (09022015). Collection method: clinical testing. Allele origin: germline.
Comment: This variant occurs in a non-coding region of the RB1 gene. It does not change the encoded amino acid sequence of the RB1 protein. This variant is present in population databases (no rsID available, gnomAD 0.007%). This variant has not been reported in the literature in individuals affected with RB1-related conditions. Experimental studies and prediction algorithms are not available or were not evaluated, and the effect of this variant on mRNA splicing is currently unknown. In summary, the available evidence is currently insufficient to determine the role of this variant in disease. Therefore, it has been classified as a Variant of Uncertain Significance.